The following is an entry in ClinVar:

NM_000081.4(LYST):c.5256G>C (p.Gln1752His)

Gene: LYST (lysosomal trafficking regulator; minus strand). Cytogenetic location: 1q42.3.
Variant type: single nucleotide variant.
Coding change: c.5256G>C on transcript NM_000081.4 (MANE Select); coding-DNA position 5256, G replaced by C.
Protein change: p.Gln1752His; replaces glutamine 1752 with histidine.
Molecular consequence: missense variant.
Genome position (GRCh38, 1-based): chr1:235,777,267, C>G on the plus strand (G>C on the coding strand, the complement: LYST is on the minus strand). VCF-style: chr1-235777267-C-G. GRCh37 (hg19) VCF-style: chr1-235940567-C-G.
Other names: c.5256G>C, p.Gln1752His (NM_001301365.1); short protein forms Q1752H.
Identifiers: ClinVar variation 2085410 (VCV002085410.4), dbSNP rs1669369332, ClinGen allele CA344953888.

ClinVar aggregate classification (germline): Uncertain significance (1 of 4 stars; one submission).

Conditions:
Chédiak-Higashi syndrome (CHS). Also called: Chediak-Higashi Syndrome. Identifiers: Orphanet 167, MedGen C0007965, MONDO:0008963, OMIM 214500.

gnomAD v4.1: 1 of 1,612,524 alleles (0.000062%); highest among the groups gnomAD compares: South Asian, 0.0011%; no homozygotes.

Submission:

Labcorp Genetics (formerly Invitae), Labcorp
Classification: Uncertain significance for Chédiak-Higashi syndrome. Last evaluated: 2022-05-05. Review status: criteria provided, single submitter. Criteria: Invitae Variant Classification Sherloc (09022015). Collection method: clinical testing. Allele origin: germline.
Comment: This sequence change replaces glutamine, which is neutral and polar, with histidine, which is basic and polar, at codon 1752 of the LYST protein (p.Gln1752His). This variant is not present in population databases (gnomAD no frequency). This variant has not been reported in the literature in individuals affected with LYST-related conditions. Algorithms developed to predict the effect of missense changes on protein structure and function (SIFT, PolyPhen-2, Align-GVGD) all suggest that this variant is likely to be tolerated. In summary, the available evidence is currently insufficient to determine the role of this variant in disease. Therefore, it has been classified as a Variant of Uncertain Significance.